The following is an entry in ClinVar:

NM_001540.5(HSPB1):c.106C>T (p.Pro36Ser)

Gene: HSPB1 (heat shock protein family B (small) member 1; plus strand). Cytogenetic location: 7q11.23.
Variant type: single nucleotide variant.
Coding change: c.106C>T on transcript NM_001540.5 (MANE Select); coding-DNA position 106, C replaced by T.
Protein change: p.Pro36Ser; replaces proline 36 with serine.
Molecular consequence: missense variant.
Genome position (GRCh38, 1-based): chr7:76,302,818, C>T. VCF-style: chr7-76302818-C-T. GRCh37 (hg19) VCF-style: chr7-75932135-C-T.
Other names: short protein forms P36S.
Identifiers: ClinVar variation 3705059 (VCV003705059.3).
Genomic context (GRCh38, chr7:76,302,818, plus strand): 5'-TGGGACCCCTTCCGCGACTGGTACCCGCATAGCCGCCTCTTCGACCAGGCCTTCGGGCTG[C>T]CCCGGCTGCCGGAGGAGTGGTCGCAGTGGTTAGGCGGCAGCAGCTGGCCAGGCTACGTGC-3'
Protein context (NP_001531.1, residues 26-46): SRLFDQAFGL[Pro36Ser]RLPEEWSQWL

ClinVar aggregate classification (germline): Uncertain significance. Review status: criteria provided, multiple submitters, no conflicts (2 of 4 stars). 2 submissions from 2 submitters: Uncertain significance (2). Last evaluated 2024-04-15.

Conditions:
Charcot-Marie-Tooth disease axonal type 2F (CMT2F). Also called: Charcot-Marie-Tooth Neuropathy Type 2F; CHARCOT-MARIE-TOOTH DISEASE, NEURONAL, TYPE 2F. Identifiers: Orphanet 99940, MedGen C1847823, MONDO:0011687, OMIM 606595.

gnomAD v4.1: 3 of 1,606,930 alleles (0.00019%); highest among the groups gnomAD compares: African/African-American, 0.0027%; no homozygotes.

Submissions (2):

Labcorp Genetics (formerly Invitae), Labcorp
Classification: Uncertain significance for Charcot-Marie-Tooth disease axonal type 2F. Last evaluated: 2024-04-15. Review status: criteria provided, single submitter. Criteria: Invitae Variant Classification Sherloc (09022015). Collection method: clinical testing. Allele origin: germline.
Comment: This sequence change replaces proline, which is neutral and non-polar, with serine, which is neutral and polar, at codon 36 of the HSPB1 protein (p.Pro36Ser). This variant is not present in population databases (gnomAD no frequency). This variant has not been reported in the literature in individuals affected with HSPB1-related conditions. Advanced modeling of protein sequence and biophysical properties (such as structural, functional, and spatial information, amino acid conservation, physicochemical variation, residue mobility, and thermodynamic stability) has been performed at Invitae for this missense variant, however the output from this modeling did not meet the statistical confidence thresholds required to predict the impact of this variant on HSPB1 protein function. In summary, the available evidence is currently insufficient to determine the role of this variant in disease. Therefore, it has been classified as a Variant of Uncertain Significance.

Blueprint Genetics
Classification: Uncertain significance. Last evaluated: 2021-09-30. Review status: criteria provided, single submitter. Criteria: ACMG Guidelines, 2015. Collection method: clinical testing. Allele origin: germline.